The following is an entry in ClinVar:

NM_015627.3(LDLRAP1):c.459+6C>A

Gene: LDLRAP1 (low density lipoprotein receptor adaptor protein 1; plus strand). Cytogenetic location: 1p36.11.
Variant type: single nucleotide variant.
Coding change: c.459+6C>A on transcript NM_015627.3 (MANE Select); 6 bases into the intron after coding-DNA position 459, C replaced by A.
Molecular consequence: intron variant.
Genome position (GRCh38, 1-based): chr1:25,557,273, C>A. VCF-style: chr1-25557273-C-A. GRCh37 (hg19) VCF-style: chr1-25883764-C-A.
Identifiers: ClinVar variation 966557 (VCV000966557.4), dbSNP rs762507383, ClinGen allele CA695555.
Genomic context (GRCh38, chr1:25,557,273, plus strand): 5'-CCAGCACAACCAGAGCCTCGAGTGCCACGCCTTCCTCTGCACCAAGCGGAAGATGGTCAG[C>A]GGGGAGGGCTGGGGCGGGGACAGGGTCCAGTGGCCTTGGCAGCCTTGCTCTGGGTGGGGG-3'

ClinVar aggregate classification (germline): Uncertain significance. Review status: criteria provided, single submitter (1 of 4 stars). 2 submissions from 2 submitters: Uncertain significance (1). 1 of the submissions does not count toward it. Last evaluated 2021-09-01.

Conditions:
Familial hypercholesterolemia. Also called: Familial hypercholesterolaemia; Familial hypercholesterolemias. Identifiers: MedGen C0020445, MONDO:0005439.
Hypercholesterolemia, familial, 4 (FHCL4). Also called: HYPERCHOLESTEROLEMIA, AUTOSOMAL RECESSIVE, 1; HYPERCHOLESTEROLEMIA, AUTOSOMAL RECESSIVE, 2. Identifiers: Orphanet 391665, MedGen C1863512, MONDO:0011374, OMIM 603813.

Allele frequency attached by ClinVar (database versions not stated): TOPMed 0.00001.
gnomAD v4.1: 11 of 990,984 alleles (0.0011%); highest among the groups gnomAD compares: Admixed American, 0.0093%; no homozygotes.

Submissions (2):

Labcorp Genetics (formerly Invitae), Labcorp
Classification: Uncertain significance for Hypercholesterolemia, familial, 4. Last evaluated: 2021-09-01. Review status: criteria provided, single submitter. Criteria: Invitae Variant Classification Sherloc (09022015). Collection method: clinical testing. Allele origin: germline.
Comment: This sequence change falls in intron 4 of the LDLRAP1 gene. It does not directly change the encoded amino acid sequence of the LDLRAP1 protein. It affects a nucleotide within the consensus splice site of the intron. This variant is present in population databases (rs762507383, ExAC 0.03%). This variant has not been reported in the literature in individuals affected with LDLRAP1-related conditions. Variants that disrupt the consensus splice site are a relatively common cause of aberrant splicing (PMID: 17576681, 9536098). Algorithms developed to predict the effect of sequence changes on RNA splicing suggest that this variant is not likely to affect RNA splicing. In summary, the available evidence is currently insufficient to determine the role of this variant in disease. Therefore, it has been classified as a Variant of Uncertain Significance.

Natera, Inc.
Classification: Uncertain significance for Familial hypercholesterolemia. Last evaluated: 2021-03-30. Review status: no assertion criteria provided. Collection method: clinical testing. Allele origin: germline. Not counted in ClinVar's aggregate classification.

Literature cited by the submitters: PubMed 17576681 (cited by Labcorp Genetics (formerly Invitae), Labcorp); PubMed 9536098 (cited by Labcorp Genetics (formerly Invitae), Labcorp).